The following is an entry in ClinVar:

ClinVar aggregate classification (germline): Uncertain significance (1 of 4 stars; one submission).

Submission:

GeneDx
Classification: Uncertain significance. Last evaluated: 2023-02-01. Review status: criteria provided, single submitter. Criteria: GeneDx Variant Classification Process June 2021. Collection method: clinical testing. Allele origin: germline. Affected: yes.
Comment: Not observed at significant frequency in large population cohorts (gnomAD); In silico analysis supports that this missense variant has a deleterious effect on protein structure/function; Has not been previously published as pathogenic or benign to our knowledge; Variants in candidate genes are classified as variants of uncertain significance in accordance with ACMG guidelines (Richards et al., 2015)

NM_012433.4(SF3B1):c.3560C>T (p.Thr1187Met)

Gene: SF3B1 (splicing factor 3b subunit 1; minus strand). Cytogenetic location: 2q33.1.
Variant type: single nucleotide variant.
Coding change: c.3560C>T on transcript NM_012433.4 (MANE Select); coding-DNA position 3560, C replaced by T.
Protein change: p.Thr1187Met; replaces threonine 1187 with methionine.
Molecular consequence: missense variant.
Genome position (GRCh38, 1-based): chr2:197,393,168, G>A on the plus strand (C>T on the coding strand, the complement: SF3B1 is on the minus strand). VCF-style: chr2-197393168-G-A. GRCh37 (hg19) VCF-style: chr2-198257892-G-A.
Other names: short protein forms T1187M.
Identifiers: ClinVar variation 4755738 (VCV004755738.1).